The following is an entry in ClinVar:

ClinVar aggregate classification (germline): Pathogenic/Likely pathogenic. Review status: criteria provided, multiple submitters, no conflicts (2 of 4 stars). 2 submissions from 2 submitters: Pathogenic (1); Likely pathogenic (1). Last evaluated 2024-06-04.

Conditions:
Steel syndrome (STLS). Identifiers: Orphanet 438117, MedGen C3554594, MONDO:0014061, OMIM 615155.

Allele frequency attached by ClinVar (database versions not stated): TOPMed below 0.00001; gnomAD 0.00001.

Submissions (2):

Fulgent Genetics
Classification: Likely pathogenic for Steel syndrome. Last evaluated: 2024-06-04. Review status: criteria provided, single submitter. Criteria: ACMG Guidelines, 2015. Collection method: clinical testing. Allele origin: germline.

Labcorp Genetics (formerly Invitae), Labcorp
Classification: Pathogenic. Last evaluated: 2021-01-28. Review status: criteria provided, single submitter. Criteria: Invitae Variant Classification Sherloc (09022015). Collection method: clinical testing. Allele origin: germline.
Comment: For these reasons, this variant has been classified as Pathogenic. This variant is not present in population databases (ExAC no frequency). This variant has not been reported in the literature in individuals with COL27A1-related conditions. This sequence change creates a premature translational stop signal (p.Arg1206Glyfs*18) in the COL27A1 gene. It is expected to result in an absent or disrupted protein product. Loss-of-function variants in COL27A1 are known to be pathogenic (PMID: 24986830, 28276056).

Literature cited by the submitters: PubMed 24986830 (cited by Labcorp Genetics (formerly Invitae), Labcorp); PubMed 28276056 (cited by Labcorp Genetics (formerly Invitae), Labcorp).

NM_032888.4(COL27A1):c.3616del (p.Arg1206fs)

Gene: COL27A1 (collagen type XXVII alpha 1 chain; plus strand). Cytogenetic location: 9q32.
Variant type: Deletion.
Coding change: c.3616del on transcript NM_032888.4 (MANE Select); coding-DNA position 3616, one base deleted (A; older notation c.3616delA).
Protein change: p.Arg1206fs; shifts the reading frame from arginine 1206.
Molecular consequence: frameshift variant.
Genome position (GRCh38, 1-based): chr9:114,275,667, A deleted. VCF-style (leftmost placement, unchanged base first): chr9-114275666-CA-C. GRCh37 (hg19) VCF-style: chr9-117037946-CA-C.
Other names: short protein forms R1206fs.
Identifiers: ClinVar variation 1365471 (VCV001365471.7), dbSNP rs1835450838, ClinGen allele CA1128325774.